The following is an entry in ClinVar:

NM_001365951.3(KIF1B):c.389T>C (p.Ile130Thr)

Genes: KIF1B (kinesin family member 1B; plus strand), LOC129388447 (MPRA-validated peak65 silencer; plus strand). Cytogenetic location: 1p36.22.
Variant type: single nucleotide variant.
Coding change: c.389T>C on transcript NM_001365951.3 (MANE Select); coding-DNA position 389, T replaced by C.
Protein change: p.Ile130Thr; replaces isoleucine 130 with threonine.
Molecular consequence: missense variant.
Genome position (GRCh38, 1-based): chr1:10,261,930, T>C. VCF-style: chr1-10261930-T-C. GRCh37 (hg19) VCF-style: chr1-10321988-T-C.
Other names: c.389T>C, p.Ile130Thr (NM_001365952.1, NM_001365953.1, NM_015074.3 and 1 more transcripts); short protein forms I130T.
Identifiers: ClinVar variation 1735986 (VCV001735986.3), dbSNP rs2520966565, ClinGen allele CA338326995.
Genomic context (GRCh38, chr1:10,261,930, plus strand): 5'-GTGCTCTTCATGCCTCTCTCATTCTACTTCCCTAGTTATGTGAAGAACTTTTTGAGAAAA[T>C]CAATGACAACTGTAATGAAGAAATGTCTTACTCTGTAGAGGTGAGTACAGCCGTGAGTTG-3'
Protein context (NP_001352880.1, residues 120-140): PQLCEELFEK[Ile130Thr]NDNCNEEMSY

ClinVar aggregate classification (germline): Uncertain significance (1 of 4 stars; one submission).

Submission:

Ambry Genetics
Classification: Uncertain significance. Last evaluated: 2023-09-01. Review status: criteria provided, single submitter. Criteria: Ambry Variant Classification Scheme 2023. Collection method: clinical testing. Allele origin: germline.
Comment: The p.I130T variant (also known as c.389T>C), located in coding exon 4 of the KIF1B gene, results from a T to C substitution at nucleotide position 389. The isoleucine at codon 130 is replaced by threonine, an amino acid with similar properties. This amino acid position is highly conserved in available vertebrate species. In addition, this alteration is predicted to be deleterious by in silico analysis. The evidence for this gene-disease relationship is limited; therefore, the clinical significance of this alteration is unclear.